The following is an entry in ClinVar:

ClinVar aggregate classification (germline): Uncertain significance. Review status: criteria provided, multiple submitters, no conflicts (2 of 4 stars). 3 submissions from 3 submitters: Uncertain significance (3). Last evaluated 2025-06-12.

Conditions:
Inborn genetic diseases. Identifiers: MedGen C0950123, MeSH D030342.
Myopathy, centronuclear, 5 (CNM5). Identifiers: Orphanet 169186, MedGen C4014814, MONDO:0014418, OMIM 615959.

Allele frequency attached by ClinVar (database versions not stated): TOPMed 0.00001; gnomAD 0.00001; gnomAD exomes 0.00002; ExAC 0.00003.
gnomAD v4.1: 30 of 1,613,106 alleles (0.0019%); highest among the groups gnomAD compares: Non-Finnish European, 0.0025%; no homozygotes.

Submissions (3):

Mayo Clinic Laboratories, Mayo Clinic
Classification: Uncertain significance. Last evaluated: 2025-06-12. Review status: criteria provided, single submitter. Criteria: ACMG Guidelines, 2015. Collection method: clinical testing. Allele origin: germline. Observed: 1 variant allele.
Comment: BP4_moderate, PM2_supporting

Revvity Omics, Revvity
Classification: Uncertain significance for Myopathy, centronuclear, 5. Last evaluated: 2023-11-21. Review status: criteria provided, single submitter. Criteria: ACMG Guidelines, 2015. Collection method: clinical testing. Allele origin: germline.

Ambry Genetics
Classification: Uncertain significance for Inborn genetic diseases. Last evaluated: 2023-07-05. Review status: criteria provided, single submitter. Criteria: Ambry Variant Classification Scheme 2023. Collection method: clinical testing. Allele origin: germline.

NM_005876.5(SPEG):c.9115G>A (p.Ala3039Thr)

Genes: ASIC4-AS1 (ASIC4 antisense RNA 1; minus strand), SPEG (striated muscle enriched protein kinase; plus strand). Cytogenetic location: 2q35.
Variant type: single nucleotide variant.
Coding change: c.9115G>A on transcript NM_005876.5 (MANE Select); coding-DNA position 9115, G replaced by A.
Protein change: p.Ala3039Thr; replaces alanine 3039 with threonine.
Molecular consequence: missense variant.
Genome position (GRCh38, 1-based): chr2:219,490,602, G>A. VCF-style: chr2-219490602-G-A. GRCh37 (hg19) VCF-style: chr2-220355324-G-A.
Other names: p.Ala3039Thr; short protein forms A3039T.
Identifiers: ClinVar variation 2609414 (VCV002609414.4), dbSNP rs775948662, ClinGen allele CA2127680.